The following is an entry in ClinVar:

ClinVar aggregate classification (germline): Uncertain significance (1 of 4 stars; one submission).

Conditions:
Hereditary cancer-predisposing syndrome. Also called: Hereditary neoplastic syndrome; Tumor predisposition; Hereditary Cancer Syndrome; Neoplastic Syndromes, Hereditary. Identifiers: Orphanet 140162, MedGen C0027672, MeSH D009386, MONDO:0015356.

Allele frequency attached by ClinVar (database versions not stated): TOPMed below 0.00001.

Submission:

Ambry Genetics
Classification: Uncertain significance for Hereditary cancer-predisposing syndrome. Last evaluated: 2023-09-05. Review status: criteria provided, single submitter. Criteria: Ambry Variant Classification Scheme 2023. Collection method: clinical testing. Allele origin: germline.
Comment: The p.P1760A variant (also known as c.5278C>G), located in coding exon 15 of the APC gene, results from a C to G substitution at nucleotide position 5278. The proline at codon 1760 is replaced by alanine, an amino acid with highly similar properties. This amino acid position is conserved. In addition, in silico predictors for this gene do not accurately predict pathogenicity. Since supporting evidence is limited at this time, the clinical significance of this alteration remains unclear.

NM_000038.6(APC):c.5278C>G (p.Pro1760Ala)

Gene: APC (APC regulator of Wnt signaling pathway; plus strand). Cytogenetic location: 5q22.2.
Variant type: single nucleotide variant.
Coding change: c.5278C>G on transcript NM_000038.6 (MANE Select); coding-DNA position 5278, C replaced by G.
Protein change: p.Pro1760Ala; replaces proline 1760 with alanine.
Molecular consequence: missense variant. On other transcripts: non-coding transcript variant (2).
Genome position (GRCh38, 1-based): chr5:112,840,872, C>G. VCF-style: chr5-112840872-C-G. GRCh37 (hg19) VCF-style: chr5-112176569-C-G.
Other names: c.5278C>G, p.Pro1760Ala (NM_001127510.3, NM_001354895.2, NM_001407450.1); c.5224C>G, p.Pro1742Ala (NM_001127511.3); c.5332C>G, p.Pro1778Ala (NM_001354896.2, NM_001407447.1, NM_001407448.1 and 1 more transcripts); c.5308C>G, p.Pro1770Ala (NM_001354897.2); c.5203C>G, p.Pro1735Ala (NM_001354898.2); c.5194C>G, p.Pro1732Ala (NM_001354899.2); c.5155C>G, p.Pro1719Ala (NM_001354900.2); c.5101C>G, p.Pro1701Ala (NM_001354901.2, NM_001407453.1); and 11 more; short protein forms P1600A, P1677A, P1735A, P1760A, P1770A, P1376A, P1634A, P1659A.
Identifiers: ClinVar variation 2587040 (VCV002587040.2), dbSNP rs1765908843, ClinGen allele CA16032867.